The following is an entry in ClinVar:

NM_001754.5(RUNX1):c.1354G>A (p.Val452Met)

Gene: RUNX1 (RUNX family transcription factor 1; minus strand). Cytogenetic location: 21q22.12.
Variant type: single nucleotide variant.
Coding change: c.1354G>A on transcript NM_001754.5 (MANE Select); coding-DNA position 1354, G replaced by A.
Protein change: p.Val452Met; replaces valine 452 with methionine.
Molecular consequence: missense variant.
Genome position (GRCh38, 1-based): chr21:34,792,224, C>T on the plus strand (G>A on the coding strand, the complement: RUNX1 is on the minus strand). VCF-style: chr21-34792224-C-T. GRCh37 (hg19) VCF-style: chr21-36164521-C-T.
Other names: NM_001754.5(RUNX1):c.1354G>A; p.Val452Met; c.1273G>A, p.Val425Met (NM_001001890.3); short protein forms V452M, V425M.
Identifiers: ClinVar variation 532665 (VCV000532665.13), dbSNP rs916623598, ClinGen allele CA320251280.

ClinVar aggregate classification (germline): Uncertain significance. Review status: reviewed by expert panel (3 of 4 stars). 4 submissions from 4 submitters: Uncertain significance (1). 3 of the submissions do not count toward it. Last evaluated 2025-02-24.

Conditions:
Acute myeloid leukemia (AML). Also called: Leukemia, acute myeloid, somatic; Leukemia, acute myelogenous, somatic; Acute myeloid leukemia, adult; AML adult; Acute non-lymphocytic leukemia; Acute granulocytic leukemia. Identifiers: Orphanet 519, MedGen C0023467, MeSH D015470, MONDO:0018874, OMIM 601626, HP:0004808. Disease mechanism: Constitutively activated FLT3.
Inborn genetic diseases. Identifiers: MedGen C0950123, MeSH D030342.
Hereditary thrombocytopenia and hematological cancer predisposition syndrome associated with RUNX1. Also called: PLATELET DISORDER, ASPIRIN-LIKE; Familial thrombocytopenia with propensity to acute myelogenous leukemia; Familial Platelet Disorder with Propensity to Acute Myelogenous Leukemia; RUNX1 Familial Platelet Disorder with Associated Myeloid Malignancies. Identifiers: Orphanet 71290, MedGen C1832388, MeSH C563324, MONDO:0100083, OMIM 601399.

Allele frequency attached by ClinVar (database versions not stated): gnomAD exomes 0.00001 and 0.00003.
gnomAD v4.1: 43 of 1,540,172 alleles (0.0028%); highest among the groups gnomAD compares: Non-Finnish European, 0.0036%; no homozygotes.

Submissions (4):

ClinGen Myeloid Malignancy Variant Curation Expert Panel
Classification: Uncertain significance for Hereditary thrombocytopenia and hematological cancer predisposition syndrome associated with RUNX1. Last evaluated: 2025-02-24. Review status: reviewed by expert panel. Criteria: ClinGen MyeloMalig ACMG Specifications v2. Collection method: curation. Allele origin: germline. Inheritance: Autosomal dominant inheritance.
Comment: NM_001754.5(RUNX1):c.1354G>A (p.Val452Met) is a missense variant which has a REVEL score < 0.50 (0.083). In summary, the clinical significance of this variant is uncertain. ACMG/AMP criteria applied, as specified by the Myeloid Malignancy Variant Curation Expert Panel for RUNX1: BP4.

Ambry Genetics
Classification: Uncertain significance for Inborn genetic diseases. Last evaluated: 2026-03-19. Review status: criteria provided, single submitter. Criteria: Ambry Variant Classification Scheme 2023. Collection method: clinical testing. Allele origin: germline. Not counted in ClinVar's aggregate classification.

Baylor Genetics
Classification: Uncertain significance for Acute myeloid leukemia. Last evaluated: 2023-07-23. Review status: criteria provided, single submitter. Criteria: ACMG Guidelines, 2015. Collection method: clinical testing. Allele origin: unknown. Not counted in ClinVar's aggregate classification.

Labcorp Genetics (formerly Invitae), Labcorp
Classification: Uncertain significance for Hereditary thrombocytopenia and hematological cancer predisposition syndrome associated with RUNX1. Last evaluated: 2023-06-10. Review status: criteria provided, single submitter. Criteria: Invitae Variant Classification Sherloc (09022015). Collection method: clinical testing. Allele origin: germline. Not counted in ClinVar's aggregate classification.
Comment: Advanced modeling of protein sequence and biophysical properties (such as structural, functional, and spatial information, amino acid conservation, physicochemical variation, residue mobility, and thermodynamic stability) performed at Invitae indicates that this missense variant is not expected to disrupt RUNX1 protein function. ClinVar contains an entry for this variant (Variation ID: 532665). This variant has not been reported in the literature in individuals affected with RUNX1-related conditions. The frequency data for this variant in the population databases is considered unreliable, as metrics indicate poor data quality at this position in the gnomAD database. This sequence change replaces valine, which is neutral and non-polar, with methionine, which is neutral and non-polar, at codon 452 of the RUNX1 protein (p.Val452Met). In summary, the available evidence is currently insufficient to determine the role of this variant in disease. Therefore, it has been classified as a Variant of Uncertain Significance.